The following is an entry in ClinVar:

NM_001386140.1(MTTP):c.522T>C (p.Cys174=)

Gene: MTTP (microsomal triglyceride transfer protein; plus strand). Cytogenetic location: 4q23.
Variant type: single nucleotide variant.
Coding change: c.522T>C on transcript NM_001386140.1 (MANE Select); coding-DNA position 522, T replaced by C.
Protein change: p.Cys174=; no amino-acid change (cysteine 174 retained).
Molecular consequence: synonymous variant.
Genome position (GRCh38, 1-based): chr4:99,591,255, T>C. VCF-style: chr4-99591255-T-C. GRCh37 (hg19) VCF-style: chr4-100512412-T-C.
Other names: p.Cys174=; c.522T>C, p.Cys174= (NM_000253.4); c.273T>C, p.Cys91= (NM_001300785.2).
Identifiers: ClinVar variation 129626 (VCV000129626.24), dbSNP rs982424, ClinGen allele CA153727.
Genomic context (GRCh38, chr4:99,591,255, plus strand): 5'-CAAGGAATCCCAAGCATTATGCCCTTGCCTTTCTTTTTAGGTAGATATCTCTGGAAATTG[T>C]AAAGTGACCTACCAGGCTCATCAAGACAAAGTGATCAAAATTAAGGCCTTGGATTCATGC-3'
Protein context (NP_001373069.1, residues 164-184): TTNEVDISGN[Cys174=]KVTYQAHQDK

ClinVar aggregate classification (germline): Benign/Likely benign. Review status: criteria provided, multiple submitters, no conflicts (2 of 4 stars). 9 submissions from 9 submitters: Benign (6); Likely benign (1). 2 of the submissions do not count toward it. Last evaluated 2026-02-04.

Conditions:
Abetalipoproteinaemia (ABL). Also called: Abetalipoproteinemia; Abetalipoproteinemia neuropathy; Apolipoprotein B deficiency; Congenital betalipoprotein deficiency syndrome; MTP DEFICIENCY. Identifiers: Orphanet 14, MedGen C0000744, MONDO:0008692, OMIM 200100, HP:0008181.

Allele frequency attached by ClinVar (database versions not stated): gnomAD exomes 0.07606 and 0.08963; ExAC 0.09283; gnomAD 0.12191 and 0.12209; ESP Exome Variant Server 0.12779; TOPMed 0.12841; 1000 Genomes Project 30x 0.16224; 1000 Genomes Project 0.16454.
gnomAD v4.1: 130,223 of 1,611,970 alleles (8.1%); highest among the groups gnomAD compares: African/African-American, 25%; 7,225 homozygotes.

Submissions (9):

Labcorp Genetics (formerly Invitae), Labcorp
Classification: Benign. Last evaluated: 2026-02-04. Review status: criteria provided, single submitter. Criteria: Invitae Variant Classification Sherloc (09022015). Collection method: clinical testing. Allele origin: germline.

Blueprint Genetics
Classification: Likely benign. Last evaluated: 2024-11-26. Review status: criteria provided, single submitter. Criteria: ACMG Guidelines, 2015. Collection method: clinical testing. Allele origin: germline.

Mayo Clinic Laboratories, Mayo Clinic
Classification: Benign. Last evaluated: 2022-04-26. Review status: criteria provided, single submitter. Criteria: ACMG Guidelines, 2015. Collection method: clinical testing. Allele origin: germline. Observed: 242 variant alleles.

Women's Health and Genetics/Laboratory Corporation of America, LabCorp
Classification: Benign. Last evaluated: 2019-09-19. Review status: criteria provided, single submitter. Criteria: LabCorp Variant Classification Summary - May 2015. Collection method: clinical testing. Allele origin: germline.

GeneDx
Classification: Benign. Last evaluated: 2018-09-21. Review status: criteria provided, single submitter. Criteria: GeneDx Variant Classification Process June 2021. Collection method: clinical testing. Allele origin: germline. Affected: yes.

Illumina Laboratory Services, Illumina
Classification: Benign for Abetalipoproteinaemia. Last evaluated: 2018-01-12. Review status: criteria provided, single submitter. Criteria: ICSL Variant Classification Criteria 13 December 2019. Collection method: clinical testing. Allele origin: germline.
Comment: This variant was observed in the ICSL laboratory as part of a predisposition screen in an ostensibly healthy population. It had not been previously curated by ICSL or reported in the Human Gene Mutation Database (HGMD: prior to June 1st, 2018), and was therefore a candidate for classification through an automated scoring system. Utilizing variant allele frequency, disease prevalence and penetrance estimates, and inheritance mode, an automated score was calculated to assess if this variant is too frequent to cause the disease. Based on the score and internal cut-off values, a variant classified as benign is not then subjected to further curation. The score for this variant resulted in a classification of benign for this disease.

Breakthrough Genomics
Classification: Benign. Review status: criteria provided, single submitter. Criteria: ACMG Guidelines, 2015. Collection method: not provided. Allele origin: germline. Inheritance: Autosomal recessive inheritance. Affected: yes.

Natera, Inc.
Classification: Benign for Abetalipoproteinemia. Last evaluated: 2019-11-21. Review status: no assertion criteria provided. Collection method: clinical testing. Allele origin: germline. Not counted in ClinVar's aggregate classification.

Genetic Services Laboratory, University of Chicago
Classification: Likely benign for AllHighlyPenetrant. Review status: no assertion criteria provided. Collection method: clinical testing. Allele origin: germline. Not counted in ClinVar's aggregate classification.
Comment: Likely benign based on allele frequency in 1000 Genomes Project or ESP global frequency and its presence in a patient with a rare or unrelated disease phenotype. NOT Sanger confirmed.